The following is an entry in ClinVar:

NM_001165963.4(SCN1A):c.2877T>C (p.Cys959=)

Gene: SCN1A (sodium voltage-gated channel alpha subunit 1; minus strand). Cytogenetic location: 2q24.3.
Variant type: single nucleotide variant.
Coding change: c.2877T>C on transcript NM_001165963.4 (MANE Select); coding-DNA position 2877, T replaced by C.
Protein change: p.Cys959=; no amino-acid change (cysteine 959 retained).
Molecular consequence: synonymous variant. On other transcripts: non-coding transcript variant (1).
Genome position (GRCh38, 1-based): chr2:166,037,845, A>G on the plus strand (T>C on the coding strand, the complement: SCN1A is on the minus strand). VCF-style: chr2-166037845-A-G. GRCh37 (hg19) VCF-style: chr2-166894355-A-G.
Other names: c.2793T>C, p.Cys931= (NM_001165964.3, NM_001353957.2, NM_001353958.2); c.2877T>C, p.Cys959= (NM_001202435.3, NM_001353948.2); c.2844T>C, p.Cys948= (NM_001353949.2, NM_001353950.2, NM_001353951.2 and 2 more transcripts); c.2841T>C, p.Cys947= (NM_001353954.2, NM_001353955.2); c.2790T>C, p.Cys930= (NM_001353960.2); c.435T>C, p.Cys145= (NM_001353961.2); c.2877T>C (NM_001202435.1).
Identifiers: ClinVar variation 1122594 (VCV001122594.25), dbSNP rs775214722, ClinGen allele CA1943044.

ClinVar aggregate classification (germline): Likely benign. Review status: criteria provided, multiple submitters, no conflicts (2 of 4 stars). 3 submissions from 3 submitters: Likely benign (2). 1 of the submissions does not count toward it. Last evaluated 2024-09-01.

Conditions:
Early-infantile DEE. Also called: Ohtahara syndrome; Early infantile epileptic encephalopathy; Early infantile epileptic encephalopathy with suppression bursts. Identifiers: Orphanet 1934, MedGen C0393706, MONDO:0800491.
SCN1A-related disorder. Also called: SCN1A-related conditions; SCN1A-related condition; SCN1A-related disorders.

Allele frequency attached by ClinVar (database versions not stated): gnomAD 0.00001; gnomAD exomes 0.00001 and 0.00002; TOPMed 0.00001; ExAC 0.00002.
gnomAD v4.1: 17 of 1,614,004 alleles (0.0011%); highest among the groups gnomAD compares: Admixed American, 0.0017%; no homozygotes.

Submissions (3):

CeGaT Center for Human Genetics Tuebingen
Classification: Likely benign. Last evaluated: 2024-09-01. Review status: criteria provided, single submitter. Criteria: CeGaT Center For Human Genetics Tuebingen Variant Classification Criteria Version 2. Collection method: clinical testing. Allele origin: germline. Affected: yes. Observed: 1 variant allele.
Comment: SCN1A: BP4, BP7

Labcorp Genetics (formerly Invitae), Labcorp
Classification: Likely benign for Early-infantile DEE. Last evaluated: 2023-07-25. Review status: criteria provided, single submitter. Criteria: Invitae Variant Classification Sherloc (09022015). Collection method: clinical testing. Allele origin: germline.

PreventionGenetics, part of Exact Sciences
Classification: Likely benign for SCN1A-related condition. Last evaluated: 2024-02-26. Review status: no assertion criteria provided. Collection method: clinical testing. Allele origin: germline. Not counted in ClinVar's aggregate classification.
Comment: This variant is classified as likely benign based on ACMG/AMP sequence variant interpretation guidelines (Richards et al. 2015 PMID: 25741868, with internal and published modifications).